The following is an entry in ClinVar:

NM_000426.4(LAMA2):c.4705dup (p.Trp1569fs)

Gene: LAMA2 (laminin subunit alpha 2; plus strand). Cytogenetic location: 6q22.33.
Variant type: Duplication.
Coding change: c.4705dup on transcript NM_000426.4 (MANE Select); coding-DNA position 4705, one base duplicated (T; older notation c.4705dupT).
Protein change: p.Trp1569fs; shifts the reading frame from tryptophan 1569.
Molecular consequence: frameshift variant.
Genome position (GRCh38, 1-based): chr6:129,353,345, T duplicated. VCF-style (leftmost placement, unchanged base first): chr6-129353344-C-CT. GRCh37 (hg19) VCF-style: chr6-129674489-C-CT.
Other names: c.4705dup, p.Trp1569fs (NM_001079823.2); short protein forms W1569fs.
Identifiers: ClinVar variation 5015184 (VCV005015184.1).

ClinVar aggregate classification (germline): Pathogenic (1 of 4 stars; one submission).

Conditions:
LAMA2-related muscular dystrophy (LAMA2-RD). Also called: Laminin alpha 2-related dystrophy. Identifiers: MedGen C5679788, MONDO:0100228.

Submission:

Myriad Genetics, Inc.
Classification: Pathogenic for LAMA2-related muscular dystrophy. Last evaluated: 2025-11-08. Review status: criteria provided, single submitter. Criteria: Myriad Autosomal Dominant, Autosomal Recessive and X-Linked Classification Criteria (2023). Collection method: clinical testing. Allele origin: unknown.
Comment: NM_000426.3(LAMA2):c.4705dupT(W1569Lfs*9) is expected to be pathogenic in the context of muscular dystrophy, LAMA2-related. This variant is predicted to lead to an abnormal or absent protein product due to the creation of a premature termination codon in LAMA2, a gene where loss-of-function variants are known to be pathogenic. Please note: this variant was assessed in the context of healthy population screening.